The following is an entry in ClinVar:

NM_015202.5(KATNIP):c.4310-11C>T

Gene: KATNIP (katanin interacting protein; plus strand). Cytogenetic location: 16p12.1.
Variant type: single nucleotide variant.
Coding change: c.4310-11C>T on transcript NM_015202.5 (MANE Select); 11 bases into the intron before coding-DNA position 4310, C replaced by T.
Molecular consequence: intron variant.
Genome position (GRCh38, 1-based): chr16:27,774,934, C>T. VCF-style: chr16-27774934-C-T. GRCh37 (hg19) VCF-style: chr16-27786255-C-T.
Identifiers: ClinVar variation 1682076 (VCV001682076.13), dbSNP rs143887648, ClinGen allele CA7978592.

ClinVar aggregate classification (germline): Benign/Likely benign. Review status: criteria provided, multiple submitters, no conflicts (2 of 4 stars). 3 submissions from 3 submitters: Benign (1); Likely benign (2). Last evaluated 2026-03-01.

Allele frequency attached by ClinVar (database versions not stated): TOPMed 0.00116; ESP Exome Variant Server 0.00177.
gnomAD v4.1: 2,444 of 1,613,658 alleles (0.15%); highest among the groups gnomAD compares: Non-Finnish European, 0.19%; 8 homozygotes.

Submissions (3):

CeGaT Center for Human Genetics Tuebingen
Classification: Likely benign. Last evaluated: 2026-03-01. Review status: criteria provided, single submitter. Criteria: CeGaT Center For Human Genetics Tuebingen Variant Classification Criteria Version 2. Collection method: clinical testing. Allele origin: germline. Affected: yes. Observed: 1 variant allele.
Comment: KATNIP: BP4, BS2

Labcorp Genetics (formerly Invitae), Labcorp
Classification: Benign. Last evaluated: 2025-12-23. Review status: criteria provided, single submitter. Criteria: Invitae Variant Classification Sherloc (09022015). Collection method: clinical testing. Allele origin: germline.

Blueprint Genetics
Classification: Likely benign. Last evaluated: 2024-11-19. Review status: criteria provided, single submitter. Criteria: ACMG Guidelines, 2015. Collection method: clinical testing. Allele origin: germline.